The following is an entry in ClinVar:

NM_000135.4(FANCA):c.3209A>C (p.Gln1070Pro)

Gene: FANCA (FA complementation group A; minus strand). Cytogenetic location: 16q24.3.
Variant type: single nucleotide variant.
Coding change: c.3209A>C on transcript NM_000135.4 (MANE Select); coding-DNA position 3209, A replaced by C.
Protein change: p.Gln1070Pro; replaces glutamine 1070 with proline.
Molecular consequence: missense variant.
Genome position (GRCh38, 1-based): chr16:89,749,760, T>G on the plus strand (A>C on the coding strand, the complement: FANCA is on the minus strand). VCF-style: chr16-89749760-T-G. GRCh37 (hg19) VCF-style: chr16-89816168-T-G.
Other names: c.3209A>C, p.Gln1070Pro (NM_001286167.3); short protein forms Q1070P.
Identifiers: ClinVar variation 5036305 (VCV005036305.1).

ClinVar aggregate classification (germline): Uncertain significance (1 of 4 stars; one submission).

Conditions:
Inborn genetic diseases. Identifiers: MedGen C0950123, MeSH D030342.

Submission:

Ambry Genetics
Classification: Uncertain significance for Inborn genetic diseases. Last evaluated: 2026-06-15. Review status: criteria provided, single submitter. Criteria: Ambry Variant Classification Scheme 2023. Collection method: clinical testing. Allele origin: germline.
Comment: The p.Q1070P variant (also known as c.3209A>C), located in coding exon 32 of the FANCA gene, results from an A to C substitution at nucleotide position 3209. The glutamine at codon 1070 is replaced by proline, an amino acid with similar properties. This amino acid position is conserved. In addition, this alteration is predicted to be tolerated by in silico analysis. Based on the available evidence, the clinical significance of this variant remains unclear.